The following is an entry in ClinVar:

NM_001131016.2(CIZ1):c.576C>T (p.Thr192=)

Gene: CIZ1 (CDKN1A interacting zinc finger protein 1; minus strand). Cytogenetic location: 9q34.11.
Variant type: single nucleotide variant.
Coding change: c.576C>T on transcript NM_001131016.2 (MANE Select); coding-DNA position 576, C replaced by T.
Protein change: p.Thr192=; no amino-acid change (threonine 192 retained).
Molecular consequence: synonymous variant.
Genome position (GRCh38, 1-based): chr9:128,185,559, G>A on the plus strand (C>T on the coding strand, the complement: CIZ1 is on the minus strand). VCF-style: chr9-128185559-G-A. GRCh37 (hg19) VCF-style: chr9-130947838-G-A.
Other names: c.576C>T, p.Thr192= (NM_001131015.2, NM_001131017.2, NM_012127.3); c.504C>T, p.Thr168= (NM_001131018.2); c.666C>T, p.Thr222= (NM_001257975.2); c.273C>T, p.Thr91= (NM_001257976.2).
Identifiers: ClinVar variation 2190975 (VCV002190975.12), dbSNP rs139263145, ClinGen allele CA5257553.

ClinVar aggregate classification (germline): Benign/Likely benign. Review status: criteria provided, multiple submitters, no conflicts (2 of 4 stars). 2 submissions from 2 submitters: Benign (1); Likely benign (1). Last evaluated 2025-11-01.

Conditions:
Dystonic disorder. Also called: Dystonia. Identifiers: MedGen C0013421, MONDO:0003441, HP:0001332.

Allele frequency attached by ClinVar (database versions not stated): gnomAD exomes 0.00006; ExAC 0.00024; ESP Exome Variant Server 0.00069; gnomAD 0.00070; 1000 Genomes Project 30x 0.00078; TOPMed 0.00086; 1000 Genomes Project 0.00100.
gnomAD v4.1: 195 of 1,516,524 alleles (0.013%); highest among the groups gnomAD compares: African/African-American, 0.21%; no homozygotes.

Submissions (2):

Labcorp Genetics (formerly Invitae), Labcorp
Classification: Benign for Dystonic disorder. Last evaluated: 2025-11-01. Review status: criteria provided, single submitter. Criteria: Invitae Variant Classification Sherloc (09022015). Collection method: clinical testing. Allele origin: germline.

CeGaT Center for Human Genetics Tuebingen
Classification: Likely benign. Last evaluated: 2025-08-01. Review status: criteria provided, single submitter. Criteria: CeGaT Center For Human Genetics Tuebingen Variant Classification Criteria Version 2. Collection method: clinical testing. Allele origin: germline. Affected: yes. Observed: 1 variant allele.
Comment: CIZ1: BP4, BP7